The following is an entry in ClinVar:

NM_004612.4(TGFBR1):c.78GCT[3] (p.Leu28_Pro29insLeu)

Gene: TGFBR1 (transforming growth factor beta receptor 1; plus strand). Cytogenetic location: 9q22.33.
Variant type: Microsatellite.
Coding change: c.78GCT[3] on transcript NM_004612.4 (MANE Select); three copies in a row of the 3-base unit GCT starting at c.78; the reference has two copies in a row; one copy, 3 bases duplicated; also written c.81_83dup.
Protein change: p.Leu28_Pro29insLeu.
Molecular consequence: 5 prime UTR variant (on NM_001407420.1). On other transcripts: non-coding transcript variant (4), intron variant (8).
Genome position (GRCh38, 1-based): chr9:99,105,286-99,105,288, GCT duplicated; duplicating any 3 consecutive bases within chr9:99,105,283-99,105,288 gives the same sequence; the position shown is the placement nearest the transcript's 3' end. VCF-style (leftmost placement, unchanged base first): chr9-99105282-C-CGCT. GRCh37 (hg19) VCF-style: chr9-101867564-C-CGCT.
Other names: c.81_83dup (NM_004612.4); c.78GCT[3], p.Leu28_Pro29insLeu (NM_001130916.3, NM_001306210.2, NM_001407416.1 and 5 more transcripts); c.-266GCT[3] (NM_001407420.1, NM_001407429.1); c.-235GCT[3] (NM_001407422.1, NM_001407426.1); c.-190GCT[3] (NM_001407428.1); c.-111+1542GCT[3] (NM_001407418.1, NM_001407423.1); c.-111+1177GCT[3] (NM_001407424.1); c.-111+764GCT[3] (NM_001407425.1); and 3 more.
Identifiers: ClinVar variation 4183579 (VCV004183579.3).

ClinVar aggregate classification (germline): Uncertain significance. Review status: criteria provided, multiple submitters, no conflicts (2 of 4 stars). 2 submissions from 2 submitters: Uncertain significance (2). Last evaluated 2025-11-17.

Conditions:
Loeys-Dietz syndrome 1 (LDS1). Also called: FURLONG SYNDROME; TGFBR1-Related Loeys-Dietz Syndrome; AORTIC ANEURYSM, FAMILIAL THORACIC 5. Identifiers: Orphanet 60030, MedGen C4551955, MONDO:0012212, OMIM 609192.
Familial thoracic aortic aneurysm and aortic dissection (TAAD). Also called: Thoracic aortic aneurysms and dissections. Identifiers: Orphanet 91387, MedGen C4707243, MONDO:0019625.

Submissions (2):

Dasa
Classification: Uncertain significance for Loeys-Dietz syndrome 1. Last evaluated: 2025-11-17. Review status: criteria provided, single submitter. Criteria: DASA Assertion Criteria. Collection method: clinical testing. Allele origin: germline.
Comment: NM_004612.4(TGFBR1):c.81_83dup (p.Leu28dup) is an in-frame duplication predicted to duplicate leucine at protein position 28 without shifting the reading frame. This variant is rare in population databases. The currently available literature and clinical evidence are not sufficient to establish a definitive association between this variant and the reported condition. Therefore, this variant is classified as a variant of uncertain significance.

Ambry Genetics
Classification: Uncertain significance for Familial thoracic aortic aneurysm and aortic dissection. Last evaluated: 2025-07-17. Review status: criteria provided, single submitter. Criteria: Ambry Variant Classification Scheme 2023. Collection method: clinical testing. Allele origin: germline.
Comment: The c.81_83dupGCT variant (also known as p.L28dup), located in coding exon 1 of the TGFBR1 gene, results from an in-frame duplication of GCT at nucleotide positions 81 to 83. This results in the insertion of an extra leucine residue between codons 28 and 29. This amino acid position is not well conserved in available vertebrate species. In addition, this variant is predicted to be neutral by in silico analysis (Choi Y et al. PLoS ONE. 2012; 7(10):e46688). Based on the available evidence, the clinical significance of this variant remains unclear.